The following is an entry in ClinVar:

NM_004725.4(BUB3):c.244C>T (p.His82Tyr)

Gene: BUB3 (BUB3 mitotic checkpoint protein; plus strand). Cytogenetic location: 10q26.13.
Variant type: single nucleotide variant.
Coding change: c.244C>T on transcript NM_004725.4 (MANE Select); coding-DNA position 244, C replaced by T.
Protein change: p.His82Tyr; replaces histidine 82 with tyrosine.
Molecular consequence: missense variant.
Genome position (GRCh38, 1-based): chr10:123,155,706, C>T. VCF-style: chr10-123155706-C-T. GRCh37 (hg19) VCF-style: chr10-124915222-C-T.
Other names: c.244C>T, p.His82Tyr (NM_001007793.3); short protein forms H82Y.
Identifiers: ClinVar variation 1791458 (VCV001791458.2), dbSNP rs955314029, ClinGen allele CA378625261.

ClinVar aggregate classification (germline): Uncertain significance (1 of 4 stars; one submission).

Submission:

Ambry Genetics
Classification: Uncertain significance. Last evaluated: 2021-06-13. Review status: criteria provided, single submitter. Criteria: Ambry Variant Classification Scheme 2023. Collection method: clinical testing. Allele origin: germline.
Comment: The p.H82Y variant (also known as c.244C>T), located in coding exon 2 of the BUB3 gene, results from a C to T substitution at nucleotide position 244. The histidine at codon 82 is replaced by tyrosine, an amino acid with similar properties. This amino acid position is conserved. In addition, this alteration is predicted to be tolerated by in silico analysis. Since supporting evidence is limited at this time, the clinical significance of this alteration remains unclear.